The following is an entry in ClinVar:

NM_004656.4(BAP1):c.125C>G (p.Pro42Arg)

Gene: BAP1 (BRCA1 associated deubiquitinase 1; minus strand). Cytogenetic location: 3p21.1.
Variant type: single nucleotide variant.
Coding change: c.125C>G on transcript NM_004656.4 (MANE Select); coding-DNA position 125, C replaced by G.
Protein change: p.Pro42Arg; replaces proline 42 with arginine.
Molecular consequence: missense variant.
Genome position (GRCh38, 1-based): chr3:52,408,604, G>C on the plus strand (C>G on the coding strand, the complement: BAP1 is on the minus strand). VCF-style: chr3-52408604-G-C. GRCh37 (hg19) VCF-style: chr3-52442620-G-C.
Other names: c.125C>G, p.Pro42Arg (NM_001410772.1); short protein forms P42R.
Identifiers: ClinVar variation 3642695 (VCV003642695.2).
Genomic context (GRCh38, chr3:52,408,604, plus strand): 5'-ACCTTTCGCCGGGACCGGCGCTCTTCGATCCATTTGAACAGGAAGATAAATCCATATACA[G>C]GGCTGGGGGAAGTAAGGGGCAGAGCCAGATCAGCCAAAGGGGAGAAGACAATCAGCATTC-3'
Protein context (NP_004647.1, residues 32-52): IYDLQSKCQG[Pro42Arg]VYGFIFLFKW

ClinVar aggregate classification (germline): Uncertain significance (1 of 4 stars; one submission).

Conditions:
BAP1-related tumor predisposition syndrome (TPDS1). Also called: Tumor susceptibility linked to germline BAP1 mutations; TUMOR PREDISPOSITION SYNDROME 1; COMMON Syndrome; BAP1 tumor predisposition syndrome. Identifiers: Orphanet 289539, MedGen C3280492, MONDO:0013692, OMIM 614327.

Submission:

Labcorp Genetics (formerly Invitae), Labcorp
Classification: Uncertain significance for BAP1-related tumor predisposition syndrome. Last evaluated: 2024-02-23. Review status: criteria provided, single submitter. Criteria: Invitae Variant Classification Sherloc (09022015). Collection method: clinical testing. Allele origin: germline.
Comment: This sequence change replaces proline, which is neutral and non-polar, with arginine, which is basic and polar, at codon 42 of the BAP1 protein (p.Pro42Arg). This variant is not present in population databases (gnomAD no frequency). This variant has not been reported in the literature in individuals affected with BAP1-related conditions. An algorithm developed to predict the effect of missense changes on protein structure and function (PolyPhen-2) suggests that this variant is likely to be disruptive. In summary, the available evidence is currently insufficient to determine the role of this variant in disease. Therefore, it has been classified as a Variant of Uncertain Significance.